The following is an entry in ClinVar:

ClinVar aggregate classification (germline): Uncertain significance (1 of 4 stars; one submission).

Conditions:
Dyskeratosis congenita. Identifiers: Orphanet 1775, MedGen C0265965, MONDO:0015780.

Allele frequency attached by ClinVar (database versions not stated): gnomAD exomes below 0.00001.
gnomAD v4.1: 1 of 1,544,856 alleles (0.000065%); highest among the groups gnomAD compares: Non-Finnish European, 0.000087%; no homozygotes.

Submission:

Ambry Genetics
Classification: Uncertain significance for Dyskeratosis congenita. Last evaluated: 2025-05-09. Review status: criteria provided, single submitter. Criteria: Ambry Variant Classification Scheme 2023. Collection method: clinical testing. Allele origin: germline.
Comment: The p.W317S variant (also known as c.950G>C), located in coding exon 2 of the TERT gene, results from a G to C substitution at nucleotide position 950. The tryptophan at codon 317 is replaced by serine, an amino acid with highly dissimilar properties. This amino acid position is not well conserved in available vertebrate species. In addition, this alteration is predicted to be tolerated by in silico analysis. Based on the available evidence, the clinical significance of this variant remains unclear.

NM_198253.3(TERT):c.950G>C (p.Trp317Ser)

Gene: TERT (telomerase reverse transcriptase; minus strand). Cytogenetic location: 5p15.33.
Variant type: single nucleotide variant.
Coding change: c.950G>C on transcript NM_198253.3 (MANE Select); coding-DNA position 950, G replaced by C.
Protein change: p.Trp317Ser; replaces tryptophan 317 with serine.
Molecular consequence: missense variant. On other transcripts: non-coding transcript variant (2).
Genome position (GRCh38, 1-based): chr5:1,293,936, C>G on the plus strand (G>C on the coding strand, the complement: TERT is on the minus strand). VCF-style: chr5-1293936-C-G. GRCh37 (hg19) VCF-style: chr5-1294051-C-G.
Other names: c.950G>C, p.Trp317Ser (NM_001193376.3, NM_003219.1); short protein forms W317S.
Identifiers: ClinVar variation 1767221 (VCV001767221.3), dbSNP rs2478417168, ClinGen allele CA359056095.